The following is an entry in ClinVar:

NM_003620.4(PPM1D):c.1463A>C (p.Asp488Ala)

Gene: PPM1D (protein phosphatase, Mg2+/Mn2+ dependent 1D; plus strand). Cytogenetic location: 17q23.2.
Variant type: single nucleotide variant.
Coding change: c.1463A>C on transcript NM_003620.4 (MANE Select); coding-DNA position 1463, A replaced by C.
Protein change: p.Asp488Ala; replaces aspartic acid 488 with alanine.
Molecular consequence: missense variant.
Genome position (GRCh38, 1-based): chr17:60,663,197, A>C. VCF-style: chr17-60663197-A-C. GRCh37 (hg19) VCF-style: chr17-58740558-A-C.
Other names: short protein forms D488A.
Identifiers: ClinVar variation 4802945 (VCV004802945.1).

ClinVar aggregate classification (germline): Uncertain significance (1 of 4 stars; one submission).

Submission:

Labcorp Genetics (formerly Invitae), Labcorp
Classification: Uncertain significance. Last evaluated: 2025-10-28. Review status: criteria provided, single submitter. Criteria: Invitae Variant Classification Sherloc (09022015). Collection method: clinical testing. Allele origin: germline.
Comment: This sequence change replaces aspartic acid, which is acidic and polar, with alanine, which is neutral and non-polar, at codon 488 of the PPM1D protein (p.Asp488Ala). This variant is not present in population databases (gnomAD no frequency). This variant has not been reported in the literature in individuals affected with PPM1D-related conditions. An algorithm developed to predict the effect of missense changes on protein structure and function (PolyPhen-2) suggests that this variant is likely to be tolerated. In summary, the available evidence is currently insufficient to determine the role of this variant in disease. Therefore, it has been classified as a Variant of Uncertain Significance.